The following is an entry in ClinVar:

ClinVar aggregate classification (germline): Uncertain significance (1 of 4 stars; one submission).

gnomAD v4.1: 1 of 1,614,040 alleles (0.000062%); highest among the groups gnomAD compares: Non-Finnish European, 0.000085%; no homozygotes.

Submission:

GeneDx
Classification: Uncertain significance. Last evaluated: 2020-01-03. Review status: criteria provided, single submitter. Criteria: GeneDx Variant Classification Process June 2021. Collection method: clinical testing. Allele origin: germline. Affected: yes.
Comment: Not observed in large population cohorts (Lek et al., 2016); In silico analysis, which includes protein predictors and evolutionary conservation, supports a deleterious effect; Has not been previously published as pathogenic or benign to our knowledge

NM_014991.6(WDFY3):c.631G>C (p.Asp211His)

Gene: WDFY3 (WD repeat and FYVE domain containing 3; minus strand). Cytogenetic location: 4q21.23.
Variant type: single nucleotide variant.
Coding change: c.631G>C on transcript NM_014991.6 (MANE Select); coding-DNA position 631, G replaced by C.
Protein change: p.Asp211His; replaces aspartic acid 211 with histidine.
Molecular consequence: missense variant.
Genome position (GRCh38, 1-based): chr4:84,831,551, C>G on the plus strand (G>C on the coding strand, the complement: WDFY3 is on the minus strand). VCF-style: chr4-84831551-C-G. GRCh37 (hg19) VCF-style: chr4-85752704-C-G.
Other names: short protein forms D211H.
Identifiers: ClinVar variation 1306401 (VCV001306401.2), dbSNP rs2149930329, ClinGen allele CA357541922.